The following is an entry in ClinVar:

ClinVar aggregate classification (germline): Benign. Review status: criteria provided, multiple submitters, no conflicts (2 of 4 stars). 13 submissions from 13 submitters: Benign (9). 4 of the submissions do not count toward it. Last evaluated 2026-02-04.

Conditions:
Pontocerebellar hypoplasia type 1A (PCH1A). Also called: PONTOCEREBELLAR HYPOPLASIA WITH ANTERIOR HORN CELL DISEASE; PONTOCEREBELLAR HYPOPLASIA WITH INFANTILE SPINAL MUSCULAR ATROPHY. Identifiers: Orphanet 2254, Orphanet 88616, MedGen C1843504, MONDO:0011866, OMIM 607596.
Congenital pontocerebellar hypoplasia type 1. Also called: Pontocerebellar hypoplasia type 1. Identifiers: Orphanet 2254, MedGen C5442006, MONDO:0016396.

Allele frequency attached by ClinVar (database versions not stated): ESP Exome Variant Server 0.29025; gnomAD 0.32707 and 0.33579; TOPMed 0.33783; ExAC 0.38917; gnomAD exomes 0.40113; 1000 Genomes Project 30x 0.40865; 1000 Genomes Project 0.41673.
gnomAD v4.1: 582,695 of 1,613,562 alleles (36%); highest among the groups gnomAD compares: East Asian, 83%; 113,086 homozygotes.

Submissions (13):

Labcorp Genetics (formerly Invitae), Labcorp
Classification: Benign for Pontocerebellar hypoplasia type 1A. Last evaluated: 2026-02-04. Review status: criteria provided, single submitter. Criteria: Invitae Variant Classification Sherloc (09022015). Collection method: clinical testing. Allele origin: germline.

Blueprint Genetics
Classification: Benign. Last evaluated: 2024-11-27. Review status: criteria provided, single submitter. Criteria: ACMG Guidelines, 2015. Collection method: clinical testing. Allele origin: germline.

Mayo Clinic Laboratories, Mayo Clinic
Classification: Benign. Last evaluated: 2022-03-24. Review status: criteria provided, single submitter. Criteria: ACMG Guidelines, 2015. Collection method: clinical testing. Allele origin: germline. Observed: 793 variant alleles.

Genome-Nilou Lab
Classification: Benign for Pontocerebellar hypoplasia type 1A. Last evaluated: 2021-07-10. Review status: criteria provided, single submitter. Criteria: ACMG Guidelines, 2015. Collection method: clinical testing. Allele origin: germline. Affected: no.

Illumina Laboratory Services, Illumina
Classification: Benign for Pontocerebellar hypoplasia type 1A. Last evaluated: 2018-01-12. Review status: criteria provided, single submitter. Criteria: ICSL Variant Classification Criteria 13 December 2019. Collection method: clinical testing. Allele origin: germline.
Comment: This variant was observed in the ICSL laboratory as part of a predisposition screen in an ostensibly healthy population. It had not been previously curated by ICSL or reported in the Human Gene Mutation Database (HGMD: prior to June 1st, 2018), and was therefore a candidate for classification through an automated scoring system. Utilizing variant allele frequency, disease prevalence and penetrance estimates, and inheritance mode, an automated score was calculated to assess if this variant is too frequent to cause the disease. Based on the score and internal cut-off values, a variant classified as benign is not then subjected to further curation. The score for this variant resulted in a classification of benign for this disease.

Athena Diagnostics
Classification: Benign. Last evaluated: 2017-11-16. Review status: criteria provided, single submitter. Criteria: Athena Diagnostics Criteria. Collection method: clinical testing. Allele origin: germline.

GeneDx
Classification: Benign. Last evaluated: 2015-03-03. Review status: criteria provided, single submitter. Criteria: GeneDx Variant Classification Process June 2021. Collection method: clinical testing. Allele origin: germline. Affected: yes.

Breakthrough Genomics
Classification: Benign. Review status: criteria provided, single submitter. Criteria: ACMG Guidelines, 2015. Collection method: not provided. Allele origin: germline. Inheritance: Autosomal recessive inheritance. Affected: yes.

PreventionGenetics, part of Exact Sciences
Classification: Benign. Review status: criteria provided, single submitter. Criteria: ACMG Guidelines, 2015. Collection method: clinical testing. Allele origin: germline.

Natera, Inc.
Classification: Benign for Pontocerebellar hypoplasia type 1. Last evaluated: 2020-09-16. Review status: no assertion criteria provided. Collection method: clinical testing. Allele origin: germline. Not counted in ClinVar's aggregate classification.

Clinical Genetics, Academic Medical Center
Classification: Benign. Review status: no assertion criteria provided. Collection method: clinical testing. Allele origin: germline. Affected: yes. Study: VKGL Data-share Consensus. Not counted in ClinVar's aggregate classification.

Diagnostic Laboratory, Department of Genetics, University Medical Center Groningen
Classification: Benign for Pontocerebellar hypoplasia type 1A. Review status: no assertion criteria provided. Collection method: clinical testing. Allele origin: germline. Affected: yes. Study: VKGL Data-share Consensus. Not counted in ClinVar's aggregate classification.

Genetic Services Laboratory, University of Chicago
Classification: Likely benign for AllHighlyPenetrant. Review status: no assertion criteria provided. Collection method: clinical testing. Allele origin: germline. Inheritance: Autosomal recessive inheritance. Not counted in ClinVar's aggregate classification.
Comment: Likely benign based on allele frequency in 1000 Genomes Project or ESP global frequency and its presence in a patient with a rare or unrelated disease phenotype. NOT Sanger confirmed.

NM_003384.3(VRK1):c.705C>T (p.Gly235=)

Gene: VRK1 (VRK serine/threonine kinase 1; plus strand). Cytogenetic location: 14q32.2.
Variant type: single nucleotide variant.
Coding change: c.705C>T on transcript NM_003384.3 (MANE Select); coding-DNA position 705, C replaced by T.
Protein change: p.Gly235=; no amino-acid change (glycine 235 retained).
Molecular consequence: synonymous variant.
Genome position (GRCh38, 1-based): chr14:96,855,352, C>T. VCF-style: chr14-96855352-C-T. GRCh37 (hg19) VCF-style: chr14-97321689-C-T.
Other names: p.Gly235=.
Identifiers: ClinVar variation 130732 (VCV000130732.30), dbSNP rs2230532, ClinGen allele CA155969.